The following is an entry in ClinVar:

ClinVar aggregate classification (germline): Uncertain significance. Review status: criteria provided, multiple submitters, no conflicts (2 of 4 stars). 3 submissions from 3 submitters: Uncertain significance (3). Last evaluated 2026-01-01.

Conditions:
DNAH1-related disorder. Also called: DNAH1-related condition.
Spermatogenic failure 18. Identifiers: MedGen C4539783, MONDO:0054615, OMIM 617576.
Ciliary dyskinesia, primary, 37 (CILD37). Also called: CILIARY DYSKINESIA, PRIMARY, 37, WITH OR WITHOUT SITUS INVERSUS. Identifiers: MedGen C4539798, MONDO:0033204, OMIM 617577.

Allele frequency attached by ClinVar (database versions not stated): ESP Exome Variant Server 0.00008; TOPMed 0.00012; 1000 Genomes Project 30x 0.00016; gnomAD 0.00018 and 0.00019; gnomAD exomes 0.00019 and 0.00034; ExAC 0.00038.
gnomAD v4.1: 521 of 1,611,308 alleles (0.032%); highest among the groups gnomAD compares: Non-Finnish European, 0.041%; no homozygotes.

Submissions (3):

CeGaT Center for Human Genetics Tuebingen
Classification: Uncertain significance. Last evaluated: 2026-01-01. Review status: criteria provided, single submitter. Criteria: CeGaT Center For Human Genetics Tuebingen Variant Classification Criteria Version 2. Collection method: clinical testing. Allele origin: germline. Affected: yes. Observed: 1 variant allele.
Comment: DNAH1: PM2, BP4

PreventionGenetics, part of Exact Sciences
Classification: Uncertain significance for DNAH1-related condition. Last evaluated: 2023-03-14. Review status: criteria provided, single submitter. Criteria: ACMG Guidelines, 2015. Collection method: clinical testing. Allele origin: germline.
Comment: The DNAH1 c.4108G>A variant is predicted to result in the amino acid substitution p.Glu1370Lys. To our knowledge, this variant has not been reported in the literature. This variant is reported in 0.037% of alleles in individuals of European (Non-Finnish) descent in gnomAD. At this time, the clinical significance of this variant is uncertain due to the absence of conclusive functional and genetic evidence.

Labcorp Genetics (formerly Invitae), Labcorp
Classification: Uncertain significance for Ciliary dyskinesia, primary, 37; Spermatogenic failure 18. Last evaluated: 2022-08-06. Review status: criteria provided, single submitter. Criteria: Invitae Variant Classification Sherloc (09022015). Collection method: clinical testing. Allele origin: germline.
Comment: In summary, the available evidence is currently insufficient to determine the role of this variant in disease. Therefore, it has been classified as a Variant of Uncertain Significance. Algorithms developed to predict the effect of missense changes on protein structure and function output the following: SIFT: "Tolerated"; PolyPhen-2: "Benign"; Align-GVGD: "Class C0". The lysine amino acid residue is found in multiple mammalian species, which suggests that this missense change does not adversely affect protein function. ClinVar contains an entry for this variant (Variation ID: 567451). This variant has not been reported in the literature in individuals affected with DNAH1-related conditions. This variant is present in population databases (rs201610799, gnomAD 0.04%). This sequence change replaces glutamic acid, which is acidic and polar, with lysine, which is basic and polar, at codon 1370 of the DNAH1 protein (p.Glu1370Lys).

NM_015512.5(DNAH1):c.4108G>A (p.Glu1370Lys)

Gene: DNAH1 (dynein axonemal heavy chain 1; plus strand). Cytogenetic location: 3p21.1.
Variant type: single nucleotide variant.
Coding change: c.4108G>A on transcript NM_015512.5 (MANE Select); coding-DNA position 4108, G replaced by A.
Protein change: p.Glu1370Lys; replaces glutamic acid 1370 with lysine.
Molecular consequence: missense variant.
Genome position (GRCh38, 1-based): chr3:52,358,579, G>A. VCF-style: chr3-52358579-G-A. GRCh37 (hg19) VCF-style: chr3-52392595-G-A.
Other names: short protein forms E1370K.
Identifiers: ClinVar variation 567451 (VCV000567451.9), dbSNP rs201610799, ClinGen allele CA2433812.